The following is an entry in ClinVar:

NM_001844.5(COL2A1):c.760G>A (p.Asp254Asn)

Gene: COL2A1 (collagen type II alpha 1 chain; minus strand). Cytogenetic location: 12q13.11.
Variant type: single nucleotide variant.
Coding change: c.760G>A on transcript NM_001844.5 (MANE Select); coding-DNA position 760, G replaced by A.
Protein change: p.Asp254Asn; replaces aspartic acid 254 with asparagine.
Molecular consequence: missense variant.
Genome position (GRCh38, 1-based): chr12:47,995,257, C>T on the plus strand (G>A on the coding strand, the complement: COL2A1 is on the minus strand). VCF-style: chr12-47995257-C-T. GRCh37 (hg19) VCF-style: chr12-48389040-C-T.
Other names: c.553G>A, p.Asp185Asn (NM_033150.3); short protein forms D185N, D254N.
Identifiers: ClinVar variation 4726778 (VCV004726778.1).

ClinVar aggregate classification (germline): Uncertain significance (1 of 4 stars; one submission).

gnomAD v4.1: 1 of 1,613,090 alleles (0.000062%); no homozygotes.

Submission:

Labcorp Genetics (formerly Invitae), Labcorp
Classification: Uncertain significance. Last evaluated: 2025-09-07. Review status: criteria provided, single submitter. Criteria: Invitae Variant Classification Sherloc (09022015). Collection method: clinical testing. Allele origin: germline.
Comment: This sequence change replaces aspartic acid, which is acidic and polar, with asparagine, which is neutral and polar, at codon 254 of the COL2A1 protein (p.Asp254Asn). This variant is not present in population databases (gnomAD no frequency). This variant has not been reported in the literature in individuals affected with COL2A1-related conditions. Experimental studies and prediction algorithms are not available or were not evaluated, and the functional significance of this variant is currently unknown. In summary, the available evidence is currently insufficient to determine the role of this variant in disease. Therefore, it has been classified as a Variant of Uncertain Significance.